The following is an entry in ClinVar:

ClinVar aggregate classification (germline): Uncertain significance (1 of 4 stars; one submission).

Allele frequency attached by ClinVar (database versions not stated): gnomAD exomes below 0.00001; TOPMed below 0.00001.
gnomAD v4.1: 1 of 1,211,817 alleles (0.000083%); highest among the groups gnomAD compares: Non-Finnish European, 0.00011%; no homozygotes.

Submission:

GeneDx
Classification: Uncertain significance. Last evaluated: 2022-07-26. Review status: criteria provided, single submitter. Criteria: GeneDx Variant Classification Process June 2021. Collection method: clinical testing. Allele origin: germline. Affected: yes.
Comment: Not observed at significant frequency in large population cohorts (gnomAD); In silico analysis supports that this missense variant does not alter protein structure/function; Has not been previously published as pathogenic or benign to our knowledge

NM_001008537.3(NEXMIF):c.2513C>T (p.Pro838Leu)

Gene: NEXMIF (neurite extension and migration factor; minus strand). Cytogenetic location: Xq13.3.
Variant type: single nucleotide variant.
Coding change: c.2513C>T on transcript NM_001008537.3 (MANE Select); coding-DNA position 2513, C replaced by T.
Protein change: p.Pro838Leu; replaces proline 838 with leucine.
Molecular consequence: missense variant.
Genome position (GRCh38, 1-based): chrX:74,742,044, G>A on the plus strand (C>T on the coding strand, the complement: NEXMIF is on the minus strand). VCF-style: chrX-74742044-G-A. GRCh37 (hg19) VCF-style: chrX-73961879-G-A.
Other names: short protein forms P838L.
Identifiers: ClinVar variation 2412990 (VCV002412990.3), dbSNP rs2080106737, ClinGen allele CA413668053.